The following is an entry in ClinVar:

NM_001378418.1(TCF20):c.4187G>A (p.Gly1396Glu)

Gene: TCF20 (transcription factor 20; minus strand). Cytogenetic location: 22q13.2.
Variant type: single nucleotide variant.
Coding change: c.4187G>A on transcript NM_001378418.1 (MANE Select); coding-DNA position 4187, G replaced by A.
Protein change: p.Gly1396Glu; replaces glycine 1396 with glutamic acid.
Molecular consequence: missense variant.
Genome position (GRCh38, 1-based): chr22:42,211,119, C>T on the plus strand (G>A on the coding strand, the complement: TCF20 is on the minus strand). VCF-style: chr22-42211119-C-T. GRCh37 (hg19) VCF-style: chr22-42607125-C-T.
Other names: p.Gly1396Glu; c.4187G>A, p.Gly1396Glu (NM_005650.4, NM_181492.3); short protein forms G1396E.
Identifiers: ClinVar variation 1707594 (VCV001707594.3), dbSNP rs774041838, ClinGen allele CA10266694.
Genomic context (GRCh38, chr22:42,211,119, plus strand): 5'-AGGTCCGAAGCCACCTCACCTTTTCTCTTCTCTATGTCAGCATCCTGAACAGCAACACTC[C>T]CACCTTCAGGAGGACCACTCTTCAAAGACAGTATATCATCAAGCGTAACCGTGTCTCCCC-3'
Protein context (NP_001365347.1, residues 1386-1406): LSLKSGPPEG[Gly1396Glu]SVAVQDADIE

ClinVar aggregate classification (germline): Uncertain significance (1 of 4 stars; one submission).

Conditions:
Developmental delay with variable intellectual impairment and behavioral abnormalities. Identifiers: MedGen C5193092, MONDO:0032745, OMIM 618430.

Allele frequency attached by ClinVar (database versions not stated): gnomAD exomes 0.00005; ExAC 0.00007; gnomAD 0.00001; TOPMed 0.00002.
gnomAD v4.1: 74 of 1,614,058 alleles (0.0046%); highest among the groups gnomAD compares: South Asian, 0.069%; no homozygotes.

Submission:

Foundation for Research in Genetics and Endocrinology, FRIGE's Institute of Human Genetics
Classification: Uncertain significance for Developmental delay with variable intellectual impairment and behavioral abnormalities. Last evaluated: 2022-03-09. Review status: criteria provided, single submitter. Criteria: ACMG Guidelines, 2015. Collection method: clinical testing. Allele origin: germline. Inheritance: Autosomal dominant inheritance. Affected: yes. Observed: 1 heterozygote.
Comment: A heterozygous missense variation in exon 2 of the TCF20 gene that results in the amino acid substitution of Glutamic acid for Glycine at codon 1396 was detected. The observed variant c.4187G>A (p.Gly1396Glu) has not been reported in the 1000 genomes and has a minor allele frequency of 0.0006% in the gnomAD database. The in silico prediction of the variant are possibly damaging by PolyPhen-2 (HumDiv) and damaging by LRT and SIFT. The reference codon is conserved across species. In summary, the variant meets our criteria to be classified as a variant of uncertain significance.